The following is an entry in ClinVar:

NM_001085458.2(CTNND1):c.1363G>T (p.Ala455Ser)

Genes: CTNND1 (catenin delta 1; plus strand), TMX2-CTNND1 (TMX2-CTNND1 readthrough (NMD candidate); plus strand). Cytogenetic location: 11q12.1.
Variant type: single nucleotide variant.
Coding change: c.1363G>T on transcript NM_001085458.2 (MANE Select); coding-DNA position 1363, G replaced by T.
Protein change: p.Ala455Ser; replaces alanine 455 with serine.
Molecular consequence: missense variant. On other transcripts: non-coding transcript variant (1).
Genome position (GRCh38, 1-based): chr11:57,802,139, G>T. VCF-style: chr11-57802139-G-T. GRCh37 (hg19) VCF-style: chr11-57569611-G-T.
Other names: c.1363G>T, p.Ala455Ser (NM_001085459.2, NM_001085460.2, NM_001085461.2 and 3 more transcripts); c.1060G>T, p.Ala354Ser (NM_001085463.2, NM_001085464.2, NM_001085465.2 and 5 more transcripts); c.1201G>T, p.Ala401Ser (NM_001206883.2, NM_001206884.2, NM_001206886.2 and 4 more transcripts); short protein forms A455S, A354S, A401S.
Identifiers: ClinVar variation 3270145 (VCV003270145.16).

ClinVar aggregate classification (germline): Conflicting classifications of pathogenicity. Review status: criteria provided, conflicting classifications (1 of 4 stars). 4 submissions from 4 submitters: Uncertain significance (1); Likely benign (3). Last evaluated 2025-02-16.

Conditions:
Inborn genetic diseases. Identifiers: MedGen C0950123, MeSH D030342.

gnomAD v4.1: 156 of 1,613,896 alleles (0.0097%); highest among the groups gnomAD compares: South Asian, 0.088%; 3 homozygotes.

Submissions (4):

Laboratory of Genetics, Children's Clinical University Hospital Latvia
Classification: Likely benign. Last evaluated: 2025-02-16. Review status: criteria provided, single submitter. Criteria: ACMG Guidelines, 2015. Collection method: clinical testing. Allele origin: germline. Affected: yes.

CeGaT Center for Human Genetics Tuebingen
Classification: Likely benign. Last evaluated: 2025-02-01. Review status: criteria provided, single submitter. Criteria: CeGaT Center For Human Genetics Tuebingen Variant Classification Criteria Version 2. Collection method: clinical testing. Allele origin: germline. Affected: yes. Observed: 1 variant allele.
Comment: CTNND1: BS2

Blueprint Genetics
Classification: Likely benign. Last evaluated: 2024-11-21. Review status: criteria provided, single submitter. Criteria: ACMG Guidelines, 2015. Collection method: clinical testing. Allele origin: germline.

Ambry Genetics
Classification: Uncertain significance for Inborn genetic diseases. Last evaluated: 2024-04-30. Review status: criteria provided, single submitter. Criteria: Ambry Variant Classification Scheme 2023. Collection method: clinical testing. Allele origin: germline.